The following is an entry in ClinVar:

ClinVar aggregate classification (germline): Uncertain significance (1 of 4 stars; one submission).

Conditions:
Microcephaly, epilepsy, and diabetes syndrome. Identifiers: Orphanet 306558, MedGen C3280240, MONDO:0100328.

Submission:

Labcorp Genetics (formerly Invitae), Labcorp
Classification: Uncertain significance for Microcephaly, epilepsy, and diabetes syndrome. Last evaluated: 2022-01-07. Review status: criteria provided, single submitter. Criteria: Invitae Variant Classification Sherloc (09022015). Collection method: clinical testing. Allele origin: germline.
Comment: Algorithms developed to predict the effect of missense changes on protein structure and function (SIFT, PolyPhen-2, Align-GVGD) all suggest that this variant is likely to be tolerated. This variant has not been reported in the literature in individuals affected with IER3IP1-related conditions. This variant is not present in population databases (gnomAD no frequency). In summary, the available evidence is currently insufficient to determine the role of this variant in disease. Therefore, it has been classified as a Variant of Uncertain Significance. This sequence change replaces proline, which is neutral and non-polar, with serine, which is neutral and polar, at codon 46 of the IER3IP1 protein (p.Pro46Ser).

NM_016097.5(IER3IP1):c.136C>T (p.Pro46Ser)

Gene: IER3IP1 (immediate early response 3 interacting protein 1; minus strand). Cytogenetic location: 18q21.1.
Variant type: single nucleotide variant.
Coding change: c.136C>T on transcript NM_016097.5 (MANE Select); coding-DNA position 136, C replaced by T.
Protein change: p.Pro46Ser; replaces proline 46 with serine.
Molecular consequence: missense variant.
Genome position (GRCh38, 1-based): chr18:47,157,493, G>A on the plus strand (C>T on the coding strand, the complement: IER3IP1 is on the minus strand). VCF-style: chr18-47157493-G-A. GRCh37 (hg19) VCF-style: chr18-44683864-G-A.
Other names: short protein forms P46S.
Identifiers: ClinVar variation 2068261 (VCV002068261.4), dbSNP rs2511880658, ClinGen allele CA402490167.